The following is an entry in ClinVar:

ClinVar aggregate classification (germline): Benign. Review status: criteria provided, multiple submitters, no conflicts (2 of 4 stars). 5 submissions from 5 submitters: Benign (2). 3 of the submissions do not count toward it. Last evaluated 2026-01-24.

Conditions:
Adult-onset autosomal dominant demyelinating leukodystrophy. Identifiers: Orphanet 99027, MedGen C1868512, MONDO:0008215.

Allele frequency attached by ClinVar (database versions not stated): 1000 Genomes Project 0.02256; gnomAD 0.02857 and 0.02972; ESP Exome Variant Server 0.02730; TOPMed 0.02949; gnomAD exomes 0.02049; ExAC 0.01972; 1000 Genomes Project 30x 0.02452.
gnomAD v4.1: 34,576 of 1,613,966 alleles (2.1%); highest among the groups gnomAD compares: Middle Eastern, 10%; 490 homozygotes.

Submissions (5):

Labcorp Genetics (formerly Invitae), Labcorp
Classification: Benign. Last evaluated: 2026-01-24. Review status: criteria provided, single submitter. Criteria: Invitae Variant Classification Sherloc (09022015). Collection method: clinical testing. Allele origin: germline.

Illumina Laboratory Services, Illumina
Classification: Benign for Leukodystrophy, demyelinating, adult-onset, autosomal dominant, typical. Last evaluated: 2018-01-13. Review status: criteria provided, single submitter. Criteria: ICSL Variant Classification Criteria 13 December 2019. Collection method: clinical testing. Allele origin: germline.
Comment: This variant was observed in the ICSL laboratory as part of a predisposition screen in an ostensibly healthy population. It had not been previously curated by ICSL or reported in the Human Gene Mutation Database (HGMD: prior to June 1st, 2018), and was therefore a candidate for classification through an automated scoring system. Utilizing variant allele frequency, disease prevalence and penetrance estimates, and inheritance mode, an automated score was calculated to assess if this variant is too frequent to cause the disease. Based on the score and internal cut-off values, a variant classified as benign is not then subjected to further curation. The score for this variant resulted in a classification of benign for this disease.

Clinical Genetics, Academic Medical Center
Classification: Benign. Review status: no assertion criteria provided. Collection method: clinical testing. Allele origin: germline. Affected: yes. Study: VKGL Data-share Consensus. Not counted in ClinVar's aggregate classification.

Genetic Services Laboratory, University of Chicago
Classification: Likely benign for AllHighlyPenetrant. Review status: no assertion criteria provided. Collection method: clinical testing. Allele origin: germline. Inheritance: Autosomal dominant inheritance. Not counted in ClinVar's aggregate classification.
Comment: Likely benign based on allele frequency in 1000 Genomes Project or ESP global frequency and its presence in a patient with a rare or unrelated disease phenotype. NOT Sanger confirmed.

Laboratory of Diagnostic Genome Analysis, Leiden University Medical Center (LUMC)
Classification: Likely benign. Review status: no assertion criteria provided. Collection method: clinical testing. Allele origin: germline. Affected: yes. Study: VKGL Data-share Consensus. Not counted in ClinVar's aggregate classification.

NM_005573.4(LMNB1):c.432G>A (p.Ser144=)

Gene: LMNB1 (lamin B1; plus strand). Cytogenetic location: 5q23.2.
Variant type: single nucleotide variant.
Coding change: c.432G>A on transcript NM_005573.4 (MANE Select); coding-DNA position 432, G replaced by A.
Protein change: p.Ser144=; no amino-acid change (serine 144 retained).
Molecular consequence: synonymous variant. On other transcripts: 5 prime UTR variant (1), non-coding transcript variant (1).
Genome position (GRCh38, 1-based): chr5:126,804,848, G>A. VCF-style: chr5-126804848-G-A. GRCh37 (hg19) VCF-style: chr5-126140540-G-A.
Other names: c.-199G>A (NM_001198557.2).
Identifiers: ClinVar variation 129486 (VCV000129486.19), dbSNP rs34224885, ClinGen allele CA153531.